The following is an entry in ClinVar:

NM_003126.4(SPTA1):c.82C>A (p.Arg28Ser)

Gene: SPTA1 (spectrin alpha, erythrocytic 1; minus strand). Cytogenetic location: 1q23.1.
Variant type: single nucleotide variant.
Coding change: c.82C>A on transcript NM_003126.4 (MANE Select); coding-DNA position 82, C replaced by A.
Protein change: p.Arg28Ser; replaces arginine 28 with serine.
Molecular consequence: missense variant.
Genome position (GRCh38, 1-based): chr1:158,685,290, G>T on the plus strand (C>A on the coding strand, the complement: SPTA1 is on the minus strand). VCF-style: chr1-158685290-G-T. GRCh37 (hg19) VCF-style: chr1-158655080-G-T.
Other names: short protein forms R28S.
Identifiers: ClinVar variation 12854 (VCV000012854.9), dbSNP rs121918642, ClinGen allele CA122757.

ClinVar aggregate classification (germline): Pathogenic. Review status: criteria provided, multiple submitters, no conflicts (2 of 4 stars). 6 submissions from 5 submitters: Pathogenic (4). 2 of the submissions do not count toward it. Last evaluated 2024-01-05.

Conditions:
SPTA1-related disorder. Also called: SPTA1-related disorders; SPTA1-related condition.
Pyropoikilocytosis, hereditary. Also called: Pyropoikilocytosis. Identifiers: MedGen C0520739, MONDO:0009948, OMIM 266140, HP:0004839. Disease mechanism: loss of function.
Elliptocytosis 2 (EL2). Also called: ELLIPTOCYTOSIS, RHESUS-UNLINKED TYPE. Identifiers: Orphanet 288, MedGen C1851741, MONDO:0007533, OMIM 130600.

Submissions (6):

Revvity Omics, Revvity
Classification: Pathogenic. Last evaluated: 2024-01-05. Review status: criteria provided, single submitter. Criteria: ACMG Guidelines, 2015. Collection method: clinical testing. Allele origin: germline.

Blueprint Genetics
Classification: Pathogenic for SPTA1-related disorders. Last evaluated: 2023-08-29. Review status: criteria provided, single submitter. Criteria: ACMG Guidelines, 2015. Collection method: clinical testing. Allele origin: germline. Affected: yes. Observed: 1 variant allele.

ARUP Laboratories, Molecular Genetics and Genomics, ARUP Laboratories
Classification: Pathogenic. Last evaluated: 2023-04-20. Review status: criteria provided, single submitter. Criteria: ARUP Molecular Germline Variant Investigation Process 2024. Collection method: clinical testing. Allele origin: germline.
Comment: The SPTA1 c.82C>A; p.Arg28Ser variant (rs121918642) is reported in the literature in at least four individuals affected with hereditary elliptocytosis and pyropoikilocytosis (Coetzer 1991, Floyd 1991 Xie 2021). In vitro functional analyses demonstrate loss of spectrin tetramerization (Gaetani 2008). This variant is also reported in ClinVar (Variation ID: 12854). This variant is absent from the Genome Aggregation Database, indicating it is not a common polymorphism. Additionally, other amino acid substitutions at this codon (Cys, His and Leu) have been reported in individuals with hereditary elliptocytosis and pyropoikilocytosis and are considered pathogenic (Coetzer 1991, Floyd 1991, Garbarz 1990). Computational analyses are uncertain whether variant is neutral or deleterious (REVEL: 0.413). Based on available information, this variant is considered to be pathogenic. REFERENCES Coetzer TL et al. Four different mutations in codon 28 of alpha spectrin are associated with structurally and functionally abnormal spectrin alpha I/74 in hereditary elliptocytosis. J Clin Invest. 1991 Sep. PMID: 1679439 Floyd PB et al. Heterogeneity of the molecular basis of hereditary pyropoikilocytosis and hereditary elliptocytosis associated with increased levels of the spectrin alpha I/74-kilodalton tryptic peptide. Blood. 1991 Sep 01. PMID: 1878597 Gaetani M et al. Structural and functional effects of hereditary hemolytic anemia-associated point mutations in the alpha spectrin tetramer site. Blood. 2008 Jun 15. PMID: 18218854 Garbarz M et al. Hereditary pyropoikilocytosis and elliptocytosis in a white French family with the spectrin alpha I/74 variant related to a CGT to CAT codon change (Arg to His) at position 22 of the spectrin alpha I domain. Blood. 1990 Apr 15. PMID: 2328319 Xie F et al. Clinical manifestation and phenotypic analysis of novel gene mutation in 28 Chinese children with hereditary spherocytosis. Mol Genet Genomic Med. 2021 Apr. PMID: 33620149

Mayo Clinic Laboratories, Mayo Clinic
Classification: Pathogenic. Last evaluated: 2021-03-22. Review status: criteria provided, single submitter. Criteria: ACMG Guidelines, 2015. Collection method: clinical testing. Allele origin: germline. Observed: 1 variant allele.
Comment: PM1, PM2, PS3, PP1, PM3

OMIM
Classification: Pathogenic for ELLIPTOCYTOSIS 2. Last evaluated: 1991-01-01. Review status: no assertion criteria provided. Collection method: literature only. Allele origin: germline. Not counted in ClinVar's aggregate classification.

OMIM
Classification: Pathogenic for PYROPOIKILOCYTOSIS, HEREDITARY. Last evaluated: 1991-01-01. Review status: no assertion criteria provided. Collection method: literature only. Allele origin: germline. Not counted in ClinVar's aggregate classification.

Literature cited by the submitters: PubMed 18218854 (cited by Mayo Clinic Laboratories, Mayo Clinic); PubMed 1845156 (cited by Mayo Clinic Laboratories, Mayo Clinic and OMIM); PubMed 7074218 (cited by Mayo Clinic Laboratories, Mayo Clinic and OMIM); PubMed 1679439 (cited by Mayo Clinic Laboratories, Mayo Clinic); PubMed 27667160 (cited by Mayo Clinic Laboratories, Mayo Clinic).